The following is an entry in ClinVar:

NM_020871.4(LRCH2):c.1032C>G (p.Gly344=)

Gene: LRCH2 (leucine rich repeats and calponin homology domain containing 2; minus strand). Cytogenetic location: Xq23.
Variant type: single nucleotide variant.
Coding change: c.1032C>G on transcript NM_020871.4 (MANE Select); coding-DNA position 1032, C replaced by G.
Protein change: p.Gly344=; no amino-acid change (glycine 344 retained).
Molecular consequence: synonymous variant.
Genome position (GRCh38, 1-based): chrX:115,166,309, G>C on the plus strand (C>G on the coding strand, the complement: LRCH2 is on the minus strand). VCF-style: chrX-115166309-G-C. GRCh37 (hg19) VCF-style: chrX-114400872-G-C.
Other names: c.1032C>G, p.Gly344= (NM_001243963.2).
Identifiers: ClinVar variation 2661230 (VCV002661230.24), dbSNP rs202226895, ClinGen allele CA10496013.

ClinVar aggregate classification (germline): Likely benign (1 of 4 stars; one submission).

Allele frequency attached by ClinVar (database versions not stated): ESP Exome Variant Server 0.00011; gnomAD 0.00014; TOPMed 0.00022.
gnomAD v4.1: 274 of 1,189,283 alleles (0.023%); highest among the groups gnomAD compares: Middle Eastern, 0.023%; no homozygotes.

Submission:

CeGaT Center for Human Genetics Tuebingen
Classification: Likely benign. Last evaluated: 2022-08-01. Review status: criteria provided, single submitter. Criteria: CeGaT Center For Human Genetics Tuebingen Variant Classification Criteria Version 2. Collection method: clinical testing. Allele origin: germline. Affected: yes. Observed: 1 variant allele.
Comment: LRCH2: BP4, BP7